The following is an entry in ClinVar:

ClinVar aggregate classification (germline): Uncertain significance (1 of 4 stars; one submission).

Conditions:
Familial cancer of breast. Also called: BREAST CANCER, FAMILIAL; Hereditary breast cancer; hereditary breast carcinoma. Identifiers: Orphanet 227535, MedGen C0346153, MONDO:0016419, OMIM 114480. Disease mechanism: loss of function.

Allele frequency attached by ClinVar (database versions not stated): gnomAD exomes below 0.00001.
gnomAD v4.1: 1 of 1,614,156 alleles (0.000062%); highest among the groups gnomAD compares: Non-Finnish European, 0.000085%; no homozygotes.

Submission:

Labcorp Genetics (formerly Invitae), Labcorp
Classification: Uncertain significance for Familial cancer of breast. Last evaluated: 2021-10-21. Review status: criteria provided, single submitter. Criteria: Invitae Variant Classification Sherloc (09022015). Collection method: clinical testing. Allele origin: germline.
Comment: In summary, the available evidence is currently insufficient to determine the role of this variant in disease. Therefore, it has been classified as a Variant of Uncertain Significance. Algorithms developed to predict the effect of missense changes on protein structure and function are either unavailable or do not agree on the potential impact of this missense change (SIFT: "Deleterious"; PolyPhen-2: "Possibly Damaging"; Align-GVGD: "Class C0"). This variant has not been reported in the literature in individuals affected with PALB2-related conditions. This variant is not present in population databases (ExAC no frequency). This sequence change replaces lysine with isoleucine at codon 633 of the PALB2 protein (p.Lys633Ile). The lysine residue is moderately conserved and there is a moderate physicochemical difference between lysine and isoleucine.

NM_024675.4(PALB2):c.1898A>T (p.Lys633Ile)

Gene: PALB2 (partner and localizer of BRCA2; minus strand). Cytogenetic location: 16p12.2.
Variant type: single nucleotide variant.
Coding change: c.1898A>T on transcript NM_024675.4 (MANE Select); coding-DNA position 1898, A replaced by T.
Protein change: p.Lys633Ile; replaces lysine 633 with isoleucine.
Molecular consequence: missense variant.
Genome position (GRCh38, 1-based): chr16:23,630,256, T>A on the plus strand (A>T on the coding strand, the complement: PALB2 is on the minus strand). VCF-style: chr16-23630256-T-A. GRCh37 (hg19) VCF-style: chr16-23641577-T-A.
Other names: short protein forms K633I.
Identifiers: ClinVar variation 1388299 (VCV001388299.7), dbSNP rs1567218554, ClinGen allele CA395127587.